The following is an entry in ClinVar:

ClinVar aggregate classification (germline): Likely benign (0 of 4 stars; one submission).

Conditions:
KNL1-related disorder. Also called: KNL1-related condition.

gnomAD v4.1: 181 of 1,614,050 alleles (0.011%); highest among the groups gnomAD compares: South Asian, 0.18%; no homozygotes.

Submission:

PreventionGenetics, part of Exact Sciences
Classification: Likely benign for KNL1-related condition. Last evaluated: 2024-09-16. Review status: no assertion criteria provided. Collection method: clinical testing. Allele origin: germline.
Comment: This variant is classified as likely benign based on ACMG/AMP sequence variant interpretation guidelines (Richards et al. 2015 PMID: 25741868, with internal and published modifications).

NM_144508.5(KNL1):c.4993G>A (p.Val1665Ile)

Gene: KNL1 (kinetochore scaffold 1; plus strand). Cytogenetic location: 15q15.1.
Variant type: single nucleotide variant.
Coding change: c.4993G>A on transcript NM_144508.5 (MANE Select); coding-DNA position 4993, G replaced by A.
Protein change: p.Val1665Ile; replaces valine 1665 with isoleucine.
Molecular consequence: missense variant.
Genome position (GRCh38, 1-based): chr15:40,625,257, G>A. VCF-style: chr15-40625257-G-A. GRCh37 (hg19) VCF-style: chr15-40917455-G-A.
Other names: c.5071G>A, p.Val1691Ile (NM_170589.5); short protein forms V1665I, V1691I.
Identifiers: ClinVar variation 3351904 (VCV003351904.1).